The following is an entry in ClinVar:

ClinVar aggregate classification (germline): Uncertain significance (1 of 4 stars; one submission).

Conditions:
Cardiovascular phenotype. Identifiers: MedGen CN230736.

Submission:

Ambry Genetics
Classification: Uncertain significance for Cardiovascular phenotype. Last evaluated: 2025-09-03. Review status: criteria provided, single submitter. Criteria: Ambry Variant Classification Scheme 2023. Collection method: clinical testing. Allele origin: germline.
Comment: The c.797G>C (p.C266S) alteration is located in exon 6 (coding exon 6) of the LPL gene. This alteration results from a G to C substitution at nucleotide position 797, causing the cysteine (C) at amino acid position 266 to be replaced by a serine (S). This variant was not reported in population-based cohorts in the Genome Aggregation Database (gnomAD). Other variant(s) at the same codon, c.798C>G (p.C266W), have been identified in individual(s) with features consistent with LPL-related chylomicronemia syndrome (Hoffmann, 2000). This amino acid position is highly conserved in available vertebrate species. Based on internal structural analysis, this variant is anticipated to result in a significant decrease in structural stability (Arora, 2019; Birrane, 2019). This alteration is predicted to be deleterious by in silico analysis. Based on insufficient or conflicting evidence, the clinical significance of this alteration remains unclear.

Literature cited by the submitters: PubMed 11134145; PubMed 30559189; PubMed 31072929.

NM_000237.3(LPL):c.797G>C (p.Cys266Ser)

Gene: LPL (lipoprotein lipase; plus strand). Cytogenetic location: 8p21.3.
Variant type: single nucleotide variant.
Coding change: c.797G>C on transcript NM_000237.3 (MANE Select); coding-DNA position 797, G replaced by C.
Protein change: p.Cys266Ser; replaces cysteine 266 with serine.
Molecular consequence: missense variant.
Genome position (GRCh38, 1-based): chr8:19,955,862, G>C. VCF-style: chr8-19955862-G-C. GRCh37 (hg19) VCF-style: chr8-19813373-G-C.
Other names: short protein forms C266S.
Identifiers: ClinVar variation 4099285 (VCV004099285.1).